The following is an entry in ClinVar:

ClinVar aggregate classification (germline): Benign. Review status: criteria provided, single submitter (1 of 4 stars). 2 submissions from 2 submitters: Benign (1). 1 of the submissions does not count toward it. Last evaluated 2022-01-01.

Conditions:
Ovarian cancer. Also called: OVARIAN CANCER, SOMATIC. Identifiers: Orphanet 213500, MedGen C1140680, MONDO:0008170, OMIM 167000.

Allele frequency attached by ClinVar (database versions not stated): TOPMed 0.00002; gnomAD 0.00003 and 0.00007; gnomAD exomes 0.00013 and 0.00028; 1000 Genomes Project 30x 0.00031; 1000 Genomes Project 0.00040; ExAC 0.00056.
gnomAD v4.1: 204 of 1,600,418 alleles (0.013%); highest among the groups gnomAD compares: South Asian, 0.2%; no homozygotes.

Submissions (2):

Laboratory of Molecular Epidemiology of Birth Defects, West China Second University Hospital, Sichuan University
Classification: Benign for Ovarian cancer. Last evaluated: 2022-01-01. Review status: criteria provided, single submitter. Criteria: ACMG Guidelines, 2015. Collection method: clinical testing. Allele origin: germline. Affected: yes.

Department of Pathology and Laboratory Medicine, Sinai Health System
Classification: Uncertain significance. Review status: no assertion criteria provided. Collection method: clinical testing. Allele origin: unknown. Affected: yes. Study: The Canadian Open Genetics Repository (COGR). Not counted in ClinVar's aggregate classification.
Comment: The XRCC3 p.Gly309Ser variant was not identified in the literature nor was it identified in ClinVar. The variant was identified in dbSNP (ID: rs532124840) and in control databases in 65 of 253456 chromosomes at a frequency of 0.0002565 (Genome Aggregation Database March 6, 2019, v2.1.1). The variant was observed in the following populations: South Asian in 59 of 28102 chromosomes (freq: 0.002099), East Asian in 3 of 18218 chromosomes (freq: 0.000165), Other in 1 of 6638 chromosomes (freq: 0.000151) and European (non-Finnish) in 2 of 113534 chromosomes (freq: 0.000018), but was not observed in the African, Latino, Ashkenazi Jewish, or European (Finnish) populations. The p.Gly309 residue is not conserved in mammals and computational analyses (PolyPhen-2, SIFT, AlignGVGD, BLOSUM, MutationTaster) do not suggest a high likelihood of impact to the protein; however, this information is not predictive enough to rule out pathogenicity. The variant occurs outside of the splicing consensus sequence and 2 of 4 in silico or computational prediction software programs (SpliceSiteFinder, MaxEntScan, NNSPLICE, GeneSplicer) predict a greater than 10% difference in splicing; this is not very predictive of pathogenicity. In summary, based on the above information the clinical significance of this variant cannot be determined with certainty at this time. This variant is classified as a variant of uncertain significance.

NM_005432.4(XRCC3):c.925G>A (p.Gly309Ser)

Genes: KLC1 (kinesin light chain 1; plus strand), XRCC3 (X-ray repair cross complementing 3; minus strand). Cytogenetic location: 14q32.33.
Variant type: single nucleotide variant.
Coding change: c.925G>A on transcript NM_005432.4 (MANE Select); coding-DNA position 925, G replaced by A.
Protein change: p.Gly309Ser; replaces glycine 309 with serine.
Molecular consequence: missense variant. On other transcripts: intron variant (15).
Genome position (GRCh38, 1-based): chr14:103,698,914, C>T on the plus strand (G>A on the coding strand, the complement: XRCC3 is on the minus strand). VCF-style: chr14-103698914-C-T. GRCh37 (hg19) VCF-style: chr14-104165251-C-T.
Other names: c.925G>A, p.Gly309Ser (NM_001100118.2, NM_001100119.2, NM_001371229.1 and 2 more transcripts); c.1924-1741C>T (NM_001394832.1); c.1857-1741C>T (NM_001394836.1); c.1726-1741C>T (NM_001394846.1); c.1897-1741C>T (NM_001394834.1); c.1830-1741C>T (NM_001394839.1); c.1699-1741C>T (NM_001394848.1); c.1849-1741C>T (NM_001394837.1); and 8 more; short protein forms G309S.
Identifiers: ClinVar variation 1050194 (VCV001050194.3), dbSNP rs532124840, ClinGen allele CA7366290.
Genomic context (GRCh38, chr14:103,698,914, plus strand): 5'-AACAGGAGGAGGGGGGCAGGTGGGGGGCAGAGAGCACCCGCAGGGTCCGGGCTGGGCAGC[C>T]GAGGGCAGCCTCTTCCTCGCGGAGCCGGTCAGCCAGCAGTCTCACCAGGAGCTGGTTAGC-3'
Protein context (NP_005423.1, residues 299-319): DRLREEEAAL[Gly309Ser]CPARTLRVLS